The following is an entry in ClinVar:

NC_000002.12:g.47806204_47806207del

Gene: MSH6 (mutS homolog 6; plus strand). Cytogenetic location: 2p16.3.
Variant type: Deletion.
Genome position: GRCh38 VCF-style: chr2-47806201-CAGGA-C. GRCh37 (hg19) VCF-style: chr2-48033340-CAGGA-C.
Identifiers: ClinVar variation 2673734 (VCV002673734.1), dbSNP rs2530837171, ClinGen allele CA2695200592.
Genomic context (GRCh38, chr2:47,806,201, plus strand): 5'-TTTAATTCCTTTTTTGTTTTAATTCCTTTGAGTTACTTCCTTATGCATATTTTACTTTAA[CAGGA>C]AGAGGTACTGCAACATTTGATGGGACGGCAATAGCAAATGCAGTTGTTAAAGAACTTGCT-3'

ClinVar aggregate classification (germline): Pathogenic (1 of 4 stars; one submission).

Conditions:
Lynch syndrome 5 (LYNCH5). Also called: Colorectal cancer, hereditary nonpolyposis, type 5; Hereditary non-polyposis colorectal cancer, type 5. Identifiers: Orphanet 144, MedGen C1833477, MONDO:0013710, OMIM 614350. Disease mechanism: loss of function.

Submission:

Myriad Genetics, Inc.
Classification: Pathogenic for Lynch syndrome 5. Last evaluated: 2023-08-24. Review status: criteria provided, single submitter. Criteria: Myriad Autosomal Dominant, Autosomal Recessive and X-Linked Classification Criteria (2023). Collection method: clinical testing. Allele origin: unknown.
Comment: This variant is considered pathogenic. This variant creates a frameshift predicted to result in premature protein truncation.